The following is an entry in ClinVar:

NM_001365999.1(SZT2):c.7245C>G (p.Ser2415Arg)

Gene: SZT2 (SZT2 subunit of KICSTOR complex; plus strand). Cytogenetic location: 1p34.2.
Variant type: single nucleotide variant.
Coding change: c.7245C>G on transcript NM_001365999.1 (MANE Select); coding-DNA position 7245, C replaced by G.
Protein change: p.Ser2415Arg; replaces serine 2415 with arginine.
Molecular consequence: missense variant.
Genome position (GRCh38, 1-based): chr1:43,440,487, C>G. VCF-style: chr1-43440487-C-G. GRCh37 (hg19) VCF-style: chr1-43906158-C-G.
Other names: c.7074C>G, p.Ser2358Arg (NM_015284.4); short protein forms S2415R, S2358R.
Identifiers: ClinVar variation 2816615 (VCV002816615.3), dbSNP rs142822908, ClinGen allele CA340034291.

ClinVar aggregate classification (germline): Uncertain significance (1 of 4 stars; one submission).

Submission:

Labcorp Genetics (formerly Invitae), Labcorp
Classification: Uncertain significance. Last evaluated: 2022-11-25. Review status: criteria provided, single submitter. Criteria: Invitae Variant Classification Sherloc (09022015). Collection method: clinical testing. Allele origin: germline.
Comment: This sequence change replaces serine, which is neutral and polar, with arginine, which is basic and polar, at codon 2358 of the SZT2 protein (p.Ser2358Arg). This variant is not present in population databases (gnomAD no frequency). This variant has not been reported in the literature in individuals affected with SZT2-related conditions. Advanced modeling of protein sequence and biophysical properties (such as structural, functional, and spatial information, amino acid conservation, physicochemical variation, residue mobility, and thermodynamic stability) performed at Invitae indicates that this missense variant is not expected to disrupt SZT2 protein function. In summary, the available evidence is currently insufficient to determine the role of this variant in disease. Therefore, it has been classified as a Variant of Uncertain Significance.